The following is an entry in ClinVar:

NM_004415.4(DSP):c.2036_2039del (p.Ile679fs)

Gene: DSP (desmoplakin; plus strand). Cytogenetic location: 6p24.3.
Variant type: Deletion.
Coding change: c.2036_2039del on transcript NM_004415.4 (MANE Select); coding-DNA positions 2036 to 2039, 4 bases deleted (TAGA; older notation c.2036_2039delTAGA).
Protein change: p.Ile679fs; shifts the reading frame from isoleucine 679.
Molecular consequence: frameshift variant.
Genome position (GRCh38, 1-based): chr6:7,571,974-7,571,977, TAGA deleted; deleting any 4 consecutive bases within chr6:7,571,971-7,571,977 gives the same sequence; the c. name uses the placement nearest the transcript's 3' end. VCF-style (leftmost placement, unchanged base first): chr6-7571970-CAGAT-C. GRCh37 (hg19) VCF-style: chr6-7572203-CAGAT-C.
Other names: c.2036_2039del, p.Ile679fs (NM_001008844.3, NM_001319034.2); short protein forms I679fs.
Identifiers: ClinVar variation 4794761 (VCV004794761.1).

ClinVar aggregate classification (germline): Pathogenic (1 of 4 stars; one submission).

Conditions:
Arrhythmogenic right ventricular dysplasia 8 (ARVD8). Also called: Arrhythmogenic Right Ventricular Dysplasia/Cardiomyopathy 8; ARRHYTHMOGENIC RIGHT VENTRICULAR DYSPLASIA, FAMILIAL, 8; ARRHYTHMOGENIC RIGHT VENTRICULAR CARDIOMYOPATHY 8. Identifiers: MedGen C1843896, MONDO:0011831, OMIM 607450.
Arrhythmogenic cardiomyopathy with wooly hair and keratoderma. Also called: PALMOPLANTAR KERATODERMA WITH LEFT VENTRICULAR CARDIOMYOPATHY AND WOOLLY HAIR; Dilated cardiomyopathy with woolly hair and keratoderma; Arrhythmogenic cardiomyopathy with woolly hair and keratoderma; Carvajal syndrome. Identifiers: Orphanet 65282, MedGen C1854063, MONDO:0011581, OMIM 605676.

Submission:

Labcorp Genetics (formerly Invitae), Labcorp
Classification: Pathogenic for Arrhythmogenic cardiomyopathy with wooly hair and keratoderma; Arrhythmogenic right ventricular dysplasia 8. Last evaluated: 2025-08-09. Review status: criteria provided, single submitter. Criteria: Invitae Variant Classification Sherloc (09022015). Collection method: clinical testing. Allele origin: germline.
Comment: This sequence change creates a premature translational stop signal (p.Ile679Serfs*7) in the DSP gene. It is expected to result in an absent or disrupted protein product. Loss-of-function variants in DSP are known to be pathogenic (PMID: 20716751, 24503780, 25227139). This variant is present in population databases (no rsID available, gnomAD 0.0009%). This variant has not been reported in the literature in individuals affected with DSP-related conditions. For these reasons, this variant has been classified as Pathogenic.

Literature cited by the submitters: PubMed 20716751; PubMed 24503780; PubMed 25227139.